The following is an entry in ClinVar:

NM_001148.6(ANK2):c.5008G>A (p.Ala1670Thr)

Gene: ANK2 (ankyrin 2; plus strand). Cytogenetic location: 4q26.
Variant type: single nucleotide variant.
Coding change: c.5008G>A on transcript NM_001148.6 (MANE Select); coding-DNA position 5008, G replaced by A.
Protein change: p.Ala1670Thr; replaces alanine 1670 with threonine.
Molecular consequence: missense variant. On other transcripts: intron variant (68).
Genome position (GRCh38, 1-based): chr4:113,353,626, G>A. VCF-style: chr4-113353626-G-A. GRCh37 (hg19) VCF-style: chr4-114274782-G-A.
Other names: c.4774G>A, p.Ala1592Thr (NM_001386142.1); c.1408G>A, p.Ala470Thr (NM_001386166.1); c.5149G>A, p.Ala1717Thr (NM_001386174.1); c.5125G>A, p.Ala1709Thr (NM_001386175.1); c.4411+3377G>A (NM_001386186.2, NM_001386148.2); c.4213+3377G>A (NM_001354269.3); c.4291+3377G>A (NM_001386187.2); c.4252+3377G>A (NM_001386147.1); and 35 more; short protein forms A1670T, A1709T, A1717T, A470T, A1592T.
Identifiers: ClinVar variation 2710616 (VCV002710616.3), dbSNP rs2505277849, ClinGen allele CA357917851.

ClinVar aggregate classification (germline): Uncertain significance (1 of 4 stars; one submission).

Conditions:
Long QT syndrome (LQTS). Identifiers: MedGen C0023976, MeSH D008133, MONDO:0002442. Disease mechanism: loss of function. Inheritance: Various modes of inheritance.

Submission:

Labcorp Genetics (formerly Invitae), Labcorp
Classification: Uncertain significance for Long QT syndrome. Last evaluated: 2024-01-21. Review status: criteria provided, single submitter. Criteria: Invitae Variant Classification Sherloc (09022015). Collection method: clinical testing. Allele origin: germline.
Comment: This sequence change replaces alanine, which is neutral and non-polar, with threonine, which is neutral and polar, at codon 1670 of the ANK2 protein (p.Ala1670Thr). This variant is not present in population databases (gnomAD no frequency). This variant has not been reported in the literature in individuals affected with ANK2-related conditions. An algorithm developed to predict the effect of missense changes on protein structure and function (PolyPhen-2) suggests that this variant is likely to be tolerated. In summary, the available evidence is currently insufficient to determine the role of this variant in disease. Therefore, it has been classified as a Variant of Uncertain Significance.